The following is an entry in ClinVar:

NM_014915.3(ANKRD26):c.3290T>G (p.Val1097Gly)

Gene: ANKRD26 (ankyrin repeat domain 26; minus strand). Cytogenetic location: 10p12.1.
Variant type: single nucleotide variant.
Coding change: c.3290T>G on transcript NM_014915.3 (MANE Select); coding-DNA position 3290, T replaced by G.
Protein change: p.Val1097Gly; replaces valine 1097 with glycine.
Molecular consequence: missense variant.
Genome position (GRCh38, 1-based): chr10:27,035,160, A>C on the plus strand (T>G on the coding strand, the complement: ANKRD26 is on the minus strand). VCF-style: chr10-27035160-A-C. GRCh37 (hg19) VCF-style: chr10-27324089-A-C.
Other names: c.3287T>G, p.Val1096Gly (NM_001256053.2); short protein forms V1096G, V1097G.
Identifiers: ClinVar variation 4579100 (VCV004579100.1).

ClinVar aggregate classification (germline): Uncertain significance (1 of 4 stars; one submission).

Conditions:
Inborn genetic diseases. Identifiers: MedGen C0950123, MeSH D030342.

gnomAD v4.1: 1 of 1,613,850 alleles (0.000062%); highest among the groups gnomAD compares: East Asian, 0.0022%; no homozygotes.

Submission:

Ambry Genetics
Classification: Uncertain significance for Inborn genetic diseases. Last evaluated: 2025-10-03. Review status: criteria provided, single submitter. Criteria: Ambry Variant Classification Scheme 2023. Collection method: clinical testing. Allele origin: germline.
Comment: The p.V1097G variant (also known as c.3290T>G), located in coding exon 24 of the ANKRD26 gene, results from a T to G substitution at nucleotide position 3290. The valine at codon 1097 is replaced by glycine, an amino acid with dissimilar properties. This amino acid position is conserved. In addition, this alteration is predicted to be tolerated by in silico analysis. Based on the available evidence, the clinical significance of this variant remains unclear.